The following is an entry in ClinVar:

NM_016239.4(MYO15A):c.7452_7456dup (p.Arg2486delinsThrTer)

Gene: MYO15A (myosin XVA; plus strand). Cytogenetic location: 17p11.2.
Variant type: Duplication.
Coding change: c.7452_7456dup on transcript NM_016239.4 (MANE Select); coding-DNA positions 7452 to 7456, 5 bases duplicated (CCTGA; older notation c.7452_7456dupCCTGA).
Protein change: p.Arg2486delinsThrTer.
Molecular consequence: nonsense.
Genome position (GRCh38, 1-based): chr17:18,150,892-18,150,896, CCTGA duplicated. VCF-style (leftmost placement, unchanged base first): chr17-18150891-C-CCCTGA. GRCh37 (hg19) VCF-style: chr17-18054205-C-CCCTGA.
Identifiers: ClinVar variation 3601390 (VCV003601390.1).
Genomic context (GRCh38, chr17:18,150,891, plus strand): 5'-CCCAGGCCCGGGAGATGACCCTGCAGGCCACGGCACTCCAGCAGCAGCCCCTGAGTGCTG[C>CCCTGA]CCTGAGATCCTTGCCCGCAGAGGTGAGCCTGGCCTGCCCAGGGTGCAGGGGTTGCTTGGA-3'

ClinVar aggregate classification (germline): Pathogenic (1 of 4 stars; one submission).

Conditions:
Autosomal recessive nonsyndromic hearing loss 3. Also called: NEUROSENSORY NONSYNDROMIC RECESSIVE DEAFNESS 3. Identifiers: Orphanet 90636, MedGen C1838263, MONDO:0010860, OMIM 600316.

Submission:

Institute of Rare Diseases, West China Hospital, Sichuan University
Classification: Pathogenic for Autosomal recessive nonsyndromic hearing loss 3. Last evaluated: 2025-01-09. Review status: criteria provided, single submitter. Criteria: ClinGen HL ACMG Specifications v1. Collection method: research. Allele origin: germline. Affected: yes.
Comment: PVS1;PM3;PM2_Supporting